The following is an entry in ClinVar:

NM_024675.4(PALB2):c.1389dup (p.Arg464Ter)

Gene: PALB2 (partner and localizer of BRCA2; minus strand). Cytogenetic location: 16p12.2.
Variant type: Duplication.
Coding change: c.1389dup on transcript NM_024675.4 (MANE Select); coding-DNA position 1389, one base duplicated (T; older notation c.1389dupT).
Protein change: p.Arg464Ter; replaces arginine 464 with a stop codon.
Molecular consequence: nonsense.
Genome position (GRCh38, 1-based): chr16:23,635,157, A duplicated on the plus strand (T on the coding strand, the reverse complement: PALB2 is on the minus strand); the first of 2 consecutive A bases (chr16:23,635,157-23,635,158); duplicating either gives the same sequence. VCF-style (leftmost placement, unchanged base first): chr16-23635156-T-TA. GRCh37 (hg19) VCF-style: chr16-23646477-T-TA.
Other names: short protein forms R464*.
Identifiers: ClinVar variation 1192532 (VCV001192532.2), dbSNP rs2142417535, ClinGen allele CA2499223437.

ClinVar aggregate classification (germline): Likely pathogenic (0 of 4 stars; one submission).

Conditions:
Breast carcinoma. Also called: Carcinoma of breast. Identifiers: MedGen C0678222, MONDO:0004989, HP:0003002.

Submission:

Medical Genetics Laboratory, Umraniye Training and Research Hospital, University of Health Sciences
Classification: Likely pathogenic for Breast carcinoma. Review status: no assertion criteria provided. Collection method: clinical testing. Allele origin: germline. Inheritance: Autosomal dominant inheritance. Affected: yes.
Comment: Invasive breast carcinoma (No special type) IHC: ER:- , PR:- , HER2:-